The following is an entry in ClinVar:

ClinVar aggregate classification (germline): Likely benign (1 of 4 stars; one submission).

Conditions:
CUL4B-related disorder. Also called: CUL4B-related condition.

Submission:

PreventionGenetics, part of Exact Sciences
Classification: Likely benign for CUL4B-related condition. Last evaluated: 2024-11-04. Review status: criteria provided, single submitter. Criteria: ACMG Guidelines, 2015. Collection method: clinical testing. Allele origin: germline.
Comment: This variant is classified as likely benign based on ACMG/AMP sequence variant interpretation guidelines (Richards et al. 2015 PMID: 25741868, with internal and published modifications).

NM_001330624.2(CUL4B):c.28+7G>C

Genes: CUL4B (cullin 4B; minus strand), LOC113845788 (Sharpr-MPRA regulatory region 11856; plus strand). Cytogenetic location: Xq24.
Variant type: single nucleotide variant.
Coding change: c.28+7G>C on transcript NM_001330624.2; 7 bases into the intron after coding-DNA position 28, G replaced by C.
Molecular consequence: intron variant.
Genome position (GRCh38, 1-based): chrX:120,561,365, C>G on the plus strand (G>C on the coding strand, the complement: CUL4B is on the minus strand). VCF-style: chrX-120561365-C-G. GRCh37 (hg19) VCF-style: chrX-119695220-C-G.
Other names: c.68-740G>C (NM_003588.4).
Identifiers: ClinVar variation 4999624 (VCV004999624.1).